The following is an entry in ClinVar:

NM_000059.4(BRCA2):c.4136A>G (p.Gln1379Arg)

Gene: BRCA2 (BRCA2 DNA repair associated; plus strand). Cytogenetic location: 13q13.1.
Variant type: single nucleotide variant.
Coding change: c.4136A>G on transcript NM_000059.4 (MANE Select); coding-DNA position 4136, A replaced by G.
Protein change: p.Gln1379Arg; replaces glutamine 1379 with arginine.
Molecular consequence: missense variant. On other transcripts: non-coding transcript variant (1), intron variant (2).
Genome position (GRCh38, 1-based): chr13:32,338,491, A>G. VCF-style: chr13-32338491-A-G. GRCh37 (hg19) VCF-style: chr13-32912628-A-G.
Other names: c.4136A>G, p.Gln1379Arg (NM_001406719.1, NM_001406720.1, NM_001432077.1); c.1909+5104A>G (NM_001406721.1); c.425-6067A>G (NM_001406722.1); short protein forms Q1379R.
Identifiers: ClinVar variation 4856430 (VCV004856430.1).

ClinVar aggregate classification (germline): Likely benign (1 of 4 stars; one submission).

Conditions:
Breast-ovarian cancer, familial, susceptibility to, 2 (BROVCA2). Also called: BRCA2 Hereditary Breast and Ovarian Cancer. Identifiers: Orphanet 145, MedGen C2675520, MONDO:0012933, OMIM 612555. Disease mechanism: loss of function.

Submission:

Cancer Bioinformatics and Tumour Evolution Laboratory, Monash University
Classification: Likely benign for Breast-ovarian cancer, familial, susceptibility to, 2. Last evaluated: 2026-05-01. Review status: criteria provided, single submitter. Criteria: ClinGen BRCA1 and BRCA2 Guidelines, 2024. Collection method: curation. Allele origin: germline. Inheritance: Autosomal dominant inheritance.
Comment: Missense variant outside of a functional domain with no splice impact. Reported along with a missense in BARD1 and a frameshift in BLM.

Literature cited by the submitters: PubMed 30214240.